The following is an entry in ClinVar:

NM_003705.5(SLC25A12):c.911T>C (p.Leu304Pro)

Gene: SLC25A12 (solute carrier family 25 member 12; minus strand). Cytogenetic location: 2q31.1.
Variant type: single nucleotide variant.
Coding change: c.911T>C on transcript NM_003705.5 (MANE Select); coding-DNA position 911, T replaced by C.
Protein change: p.Leu304Pro; replaces leucine 304 with proline.
Molecular consequence: missense variant. On other transcripts: non-coding transcript variant (1).
Genome position (GRCh38, 1-based): chr2:171,826,817, A>G on the plus strand (T>C on the coding strand, the complement: SLC25A12 is on the minus strand). VCF-style: chr2-171826817-A-G. GRCh37 (hg19) VCF-style: chr2-172683327-A-G.
Other names: short protein forms L304P.
Identifiers: ClinVar variation 2000578 (VCV002000578.4), dbSNP rs1684309749, ClinGen allele CA349290647.
Genomic context (GRCh38, chr2:171,826,817, plus strand): 5'-GCATTTTTTTAAGGTGATCATATTTATGAGATTACTCATACCTGTCTCTGAAGTTCTGCC[A>G]GGTTGTAAGGTAAGGCCCCCTCAGCCAATGGGGCTATTCTCTCAATATCTGCCAAAGTCA-3'
Protein context (NP_003696.2, residues 294-314): PLAEGALPYN[Leu304Pro]AELQRQQSPG

ClinVar aggregate classification (germline): Uncertain significance (1 of 4 stars; one submission).

Allele frequency attached by ClinVar (database versions not stated): TOPMed below 0.00001.

Submission:

Labcorp Genetics (formerly Invitae), Labcorp
Classification: Uncertain significance. Last evaluated: 2022-05-29. Review status: criteria provided, single submitter. Criteria: Invitae Variant Classification Sherloc (09022015). Collection method: clinical testing. Allele origin: germline.
Comment: Algorithms developed to predict the effect of missense changes on protein structure and function are either unavailable or do not agree on the potential impact of this missense change (SIFT: "Deleterious"; PolyPhen-2: "Possibly Damaging"; Align-GVGD: "Class C0"). This variant has not been reported in the literature in individuals affected with SLC25A12-related conditions. This variant is not present in population databases (gnomAD no frequency). This sequence change replaces leucine, which is neutral and non-polar, with proline, which is neutral and non-polar, at codon 304 of the SLC25A12 protein (p.Leu304Pro). In summary, the available evidence is currently insufficient to determine the role of this variant in disease. Therefore, it has been classified as a Variant of Uncertain Significance.